The following is an entry in ClinVar:

NC_000015.9:g.(73002121_73004584)_(73004649_73007631)del

Gene: BBS4 (Bardet-Biedl syndrome 4; plus strand). Cytogenetic location: 15q24.1.
Variant type: Deletion.
Identifiers: ClinVar variation 1804844 (VCV001804844.1).

ClinVar aggregate classification (germline): Pathogenic (1 of 4 stars; one submission).

Conditions:
Bardet-Biedl syndrome (BBS). Identifiers: Orphanet 110, MedGen C0752166, MONDO:0015229.

Submission:

Women's Health and Genetics/Laboratory Corporation of America, LabCorp
Classification: Pathogenic for Bardet-Biedl syndrome. Last evaluated: 2022-11-21. Review status: criteria provided, single submitter. Criteria: LabCorp Variant Classification Summary - May 2015. Collection method: clinical testing. Allele origin: germline.
Comment: Variant summary: The variant identified by MLPA or other technology involves the deletion of exon 4 in the BBS4 gene. A presumed nomenclature of c.(156+1_157-1)_(220+1_221-1)del has been designated for the purposes of this classification. Although exact breakpoints of this deletion are not known, it is expected to result in a frameshift in the BBS4 gene, a known mechanism of disease. The variant was absent in 21428 control chromosomes in the gnomAD database (structural variants data set). To our knowledge, deletion of exon 4 has not been reported in adults with Bardet-Biedl Syndrome, but it has been reported in two affected fetuses that were terminated (Mary_2019). These data indicate that the variant is likely to be associated with disease. To our knowledge, no experimental evidence demonstrating an impact on protein function has been reported. One clinical diagnostic laboratory has submitted clinical-significance assessments for this variant to ClinVar after 2014 and classified the variant as pathogenic. Based on the evidence outlined above, the variant was classified as pathogenic.

Literature cited by the submitters: PubMed 30614526.